The following is an entry in ClinVar:

ClinVar aggregate classification (germline): Uncertain significance. Review status: criteria provided, multiple submitters, no conflicts (2 of 4 stars). 2 submissions from 2 submitters: Uncertain significance (2). Last evaluated 2025-12-22.

Conditions:
Colorectal cancer, hereditary nonpolyposis, type 7. Identifiers: Orphanet 144, MedGen C1858380, MONDO:0013725, OMIM 614385.

Submissions (2):

Ambry Genetics
Classification: Uncertain significance. Last evaluated: 2025-12-22. Review status: criteria provided, single submitter. Criteria: Ambry Variant Classification Scheme 2023. Collection method: clinical testing. Allele origin: germline.
Comment: The p.P183L variant (also known as c.548C>T), located in coding exon 1 of the MLH3 gene, results from a C to T substitution at nucleotide position 548. The proline at codon 183 is replaced by leucine, an amino acid with similar properties. This amino acid position is highly conserved in available vertebrate species. In addition, this alteration is predicted to be deleterious by in silico analysis. The evidence for this gene-disease relationship is limited; therefore, the clinical significance of this alteration is unclear.

Labcorp Genetics (formerly Invitae), Labcorp
Classification: Uncertain significance for Colorectal cancer, hereditary nonpolyposis, type 7. Last evaluated: 2022-09-13. Review status: criteria provided, single submitter. Criteria: Invitae Variant Classification Sherloc (09022015). Collection method: clinical testing. Allele origin: germline.
Comment: This sequence change replaces proline, which is neutral and non-polar, with leucine, which is neutral and non-polar, at codon 183 of the MLH3 protein (p.Pro183Leu). This variant is present in population databases (no rsID available, gnomAD 0.0009%). In summary, the available evidence is currently insufficient to determine the role of this variant in disease. Therefore, it has been classified as a Variant of Uncertain Significance. Algorithms developed to predict the effect of missense changes on protein structure and function are either unavailable or do not agree on the potential impact of this missense change (SIFT: "Deleterious"; PolyPhen-2: "Probably Damaging"; Align-GVGD: "Class C0"). This variant has not been reported in the literature in individuals affected with MLH3-related conditions.

NM_001040108.2(MLH3):c.548C>T (p.Pro183Leu)

Gene: MLH3 (mutL homolog 3; minus strand). Cytogenetic location: 14q24.3.
Variant type: single nucleotide variant.
Coding change: c.548C>T on transcript NM_001040108.2 (MANE Select); coding-DNA position 548, C replaced by T.
Protein change: p.Pro183Leu; replaces proline 183 with leucine.
Molecular consequence: missense variant.
Genome position (GRCh38, 1-based): chr14:75,049,108, G>A on the plus strand (C>T on the coding strand, the complement: MLH3 is on the minus strand). VCF-style: chr14-75049108-G-A. GRCh37 (hg19) VCF-style: chr14-75515811-G-A.
Other names: c.548C>T, p.Pro183Leu (NM_014381.3); short protein forms P183L.
Identifiers: ClinVar variation 2165265 (VCV002165265.5), dbSNP rs1321342389, ClinGen allele CA390449915.